The following is an entry in ClinVar:

ClinVar aggregate classification (germline): Likely benign (1 of 4 stars; one submission).

Submission:

CeGaT Center for Human Genetics Tuebingen
Classification: Likely benign. Last evaluated: 2024-07-01. Review status: criteria provided, single submitter. Criteria: CeGaT Center For Human Genetics Tuebingen Variant Classification Criteria Version 2. Collection method: clinical testing. Allele origin: germline. Affected: yes. Observed: 7 variant alleles.
Comment: CDK10: BS2

NM_052988.5(CDK10):c.608+10_608+12del

Gene: CDK10 (cyclin dependent kinase 10; plus strand). Cytogenetic location: 16q24.3.
Variant type: Deletion.
Coding change: c.608+10_608+12del on transcript NM_052988.5 (MANE Select); bases 10 to 12 of the intron after coding-DNA position 608, 3 bases deleted (TCT; older notation c.608+10_608+12delTCT).
Molecular consequence: intron variant.
Genome position (GRCh38, 1-based): chr16:89,693,477-89,693,479, TCT deleted; deleting any 3 consecutive bases within chr16:89,693,475-89,693,479 gives the same sequence; the c. name uses the placement nearest the transcript's 3' end. VCF-style (leftmost placement, unchanged base first): chr16-89693474-CCTT-C. GRCh37 (hg19) VCF-style: chr16-89759882-CCTT-C.
Other names: c.395+10_395+12del (NM_001160367.2, NM_052987.4, NM_001098533.3).
Identifiers: ClinVar variation 2647128 (VCV002647128.24), dbSNP rs138750016, ClinGen allele CA8247993.